The following is an entry in ClinVar:

ClinVar aggregate classification (germline): Conflicting classifications of pathogenicity. Review status: criteria provided, conflicting classifications (1 of 4 stars). 6 submissions from 6 submitters: Uncertain significance (4); Likely benign (1). 1 of the submissions does not count toward it. Last evaluated 2024-11-21.

Conditions:
Microcephalic osteodysplastic primordial dwarfism type II (MOPD2). Also called: Microcephalic osteodysplastic primordial dwarfism with tooth abnormalities; MOPD II; OSTEODYSPLASTIC PRIMORDIAL DWARFISM, TYPE II. Identifiers: Orphanet 2637, MedGen C0432246, MONDO:0008872, OMIM 210720.
PCNT-related disorder. Also called: PCNT-related condition.

Allele frequency attached by ClinVar (database versions not stated): gnomAD 0.00004 and 0.00005; TOPMed 0.00006; ESP Exome Variant Server 0.00008; gnomAD exomes 0.00010 and 0.00015; ExAC 0.00015.
gnomAD v4.1: 157 of 1,612,356 alleles (0.0097%); highest among the groups gnomAD compares: South Asian, 0.1%; 2 homozygotes.

Submissions (6):

ARUP Laboratories, Molecular Genetics and Genomics, ARUP Laboratories
Classification: Uncertain significance for Microcephalic osteodysplastic primordial dwarfism type II. Last evaluated: 2024-11-21. Review status: criteria provided, single submitter. Criteria: ARUP Molecular Germline Variant Investigation Process 2024. Collection method: clinical testing. Allele origin: germline.
Comment: The PCNT c.7568C>T; p.Ala2523Val variant (rs368569999), to our knowledge, is not reported in the medical literature but is reported in ClinVar (Variation ID: 897705). This variant is found predominantly in the South Asian population with an allele frequency of 0.1% (31/30404 alleles, including one homozygote) in the Genome Aggregation Database (v2.1.1). Computational analyses predict that this variant is neutral (REVEL: 0.058). However, computational analyses (Alamut Visual Plus v.1.11) predict that this variant may impact splicing by creating a novel cryptic acceptor and a donor splice site. Due to conflicting information, the clinical significance of this variant is uncertain at this time.

Labcorp Genetics (formerly Invitae), Labcorp
Classification: Uncertain significance. Last evaluated: 2022-09-13. Review status: criteria provided, single submitter. Criteria: Invitae Variant Classification Sherloc (09022015). Collection method: clinical testing. Allele origin: germline.
Comment: This sequence change replaces alanine, which is neutral and non-polar, with valine, which is neutral and non-polar, at codon 2523 of the PCNT protein (p.Ala2523Val). This variant is present in population databases (rs368569999, gnomAD 0.1%), including at least one homozygous and/or hemizygous individual. This variant has not been reported in the literature in individuals affected with PCNT-related conditions. ClinVar contains an entry for this variant (Variation ID: 897705). Algorithms developed to predict the effect of missense changes on protein structure and function are either unavailable or do not agree on the potential impact of this missense change (SIFT: "Tolerated"; PolyPhen-2: "Possibly Damaging"; Align-GVGD: "Class C0"). Algorithms developed to predict the effect of sequence changes on RNA splicing suggest that this variant may create or strengthen a splice site. In summary, the available evidence is currently insufficient to determine the role of this variant in disease. Therefore, it has been classified as a Variant of Uncertain Significance.

GeneDx
Classification: Likely benign. Last evaluated: 2021-04-20. Review status: criteria provided, single submitter. Criteria: GeneDx Variant Classification Process June 2021. Collection method: clinical testing. Allele origin: germline. Affected: yes.
Comment: In silico analysis, which includes protein predictors and evolutionary conservation, supports a deleterious effect

Genetic Services Laboratory, University of Chicago
Classification: Uncertain significance. Last evaluated: 2019-05-15. Review status: criteria provided, single submitter. Criteria: ACMG Guidelines, 2015. Collection method: clinical testing. Allele origin: germline. Affected: no.

Illumina Laboratory Services, Illumina
Classification: Uncertain significance for Microcephalic osteodysplastic primordial dwarfism type II. Last evaluated: 2018-01-12. Review status: criteria provided, single submitter. Criteria: ICSL Variant Classification Criteria 13 December 2019. Collection method: clinical testing. Allele origin: germline.

PreventionGenetics, part of Exact Sciences
Classification: Uncertain significance for PCNT-related condition. Last evaluated: 2024-08-12. Review status: no assertion criteria provided. Collection method: clinical testing. Allele origin: germline. Not counted in ClinVar's aggregate classification.
Comment: The PCNT c.7568C>T variant is predicted to result in the amino acid substitution p.Ala2523Val. To our knowledge, this variant has not been reported in the literature. This variant is reported in 0.10% of alleles in individuals of South Asian descent in gnomAD, which may be too common to be a primary cause of disease. Although we suspect that this variant may be benign, at this time, the clinical significance of this variant is uncertain due to the absence of conclusive functional and genetic evidence.

NM_006031.6(PCNT):c.7568C>T (p.Ala2523Val)

Gene: PCNT (pericentrin; plus strand). Cytogenetic location: 21q22.3.
Variant type: single nucleotide variant.
Coding change: c.7568C>T on transcript NM_006031.6 (MANE Select); coding-DNA position 7568, C replaced by T.
Protein change: p.Ala2523Val; replaces alanine 2523 with valine.
Molecular consequence: missense variant.
Genome position (GRCh38, 1-based): chr21:46,428,468, C>T. VCF-style: chr21-46428468-C-T. GRCh37 (hg19) VCF-style: chr21-47848382-C-T.
Other names: c.7214C>T, p.Ala2405Val (NM_001315529.2); short protein forms A2523V, A2405V.
Identifiers: ClinVar variation 897705 (VCV000897705.16), dbSNP rs368569999, ClinGen allele CA10080709.